The following is an entry in ClinVar:

NM_031844.3(HNRNPU):c.669_691dup (p.Gly231fs)

Gene: HNRNPU (heterogeneous nuclear ribonucleoprotein U; minus strand). Cytogenetic location: 1q44.
Variant type: Duplication.
Coding change: c.669_691dup on transcript NM_031844.3 (MANE Select); coding-DNA positions 669 to 691, 23 bases duplicated (TCGCCCCGGGGCTCCGGCGGCGG).
Protein change: p.Gly231fs; shifts the reading frame from glycine 231.
Molecular consequence: frameshift variant. On other transcripts: intron variant (1).
Genome position (GRCh38, 1-based): chr1:244,863,617-244,863,639, CCGCCGCCGGAGCCCCGGGGCGA duplicated on the plus strand (TCGCCCCGGGGCTCCGGCGGCGG on the coding strand, the reverse complement: HNRNPU is on the minus strand); duplicating any 23 consecutive bases within chr1:244,863,617-244,863,647 gives the same sequence; the c. name uses the placement nearest the transcript's 3' end. VCF-style (leftmost placement, unchanged base first): chr1-244863616-C-CCCGCCGCCGGAGCCCCGGGGCGA. GRCh37 (hg19) VCF-style: chr1-245026918-C-CCCGCCGCCGGAGCCCCGGGGCGA.
Other names: c.669_691dup (NM_031844.2); c.634+35_634+57dup (NM_004501.3); short protein forms G231fs.
Identifiers: ClinVar variation 1453049 (VCV001453049.8), dbSNP rs754216321, ClinGen allele CA2573132981.
Genomic context (GRCh38, chr1:244,863,616, plus strand): 5'-GGGCACGGTCCCCACCCCGCGCGGGCCTCCCGCCGCGCGCAACGTACAACGCAGCACTCA[C>CCCGCCGCCGGAGCCCCGGGGCGA]CCGCCGCCGGAGCCCCGGGGCGACCGCCGCCTCCGCCGCCTTCCGCCTTCTTCTTACCTC-3'

ClinVar aggregate classification (germline): Conflicting classifications of pathogenicity. Review status: criteria provided, conflicting classifications (1 of 4 stars). 2 submissions from 2 submitters: Pathogenic (1); Uncertain significance (1). Last evaluated 2025-11-13.

Conditions:
Developmental and epileptic encephalopathy, 54. Also called: Epileptic encephalopathy, early infantile, 54; HNRNPU-Related Neurodevelopmental Disorder. Identifiers: MedGen C4479319, MONDO:0033363, OMIM 617391.

Submissions (2):

GeneDx
Classification: Uncertain significance. Last evaluated: 2025-11-13. Review status: criteria provided, single submitter. Criteria: GeneDx Variant Classification Process June 2021. Collection method: clinical testing. Allele origin: germline.
Comment: Reported in an individual with seizures who inherited the variant from an unaffected parent in the published literature (PMID: 39976380); Frameshift variant predicted to result in protein truncation or nonsense mediated decay in a gene or region of a gene for which loss of function is not a well-established mechanism of disease; Not observed at significant frequency in large population cohorts (gnomAD); This variant is associated with the following publications: (PMID: Zuelke2024[Abstract], 39976380)

Labcorp Genetics (formerly Invitae), Labcorp
Classification: Pathogenic for Developmental and epileptic encephalopathy, 54. Last evaluated: 2022-05-17. Review status: criteria provided, single submitter. Criteria: Invitae Variant Classification Sherloc (09022015). Collection method: clinical testing. Allele origin: germline.
Comment: For these reasons, this variant has been classified as Pathogenic. This sequence change creates a premature translational stop signal (Splice site) in the HNRNPU gene. It is expected to result in an absent or disrupted protein product. Loss-of-function variants in HNRNPU are known to be pathogenic (PMID: 22678713, 28283832). This variant is not present in population databases (gnomAD no frequency). This variant has not been reported in the literature in individuals affected with HNRNPU-related conditions. Algorithms developed to predict the effect of sequence changes on RNA splicing suggest that this variant may disrupt the consensus splice site.

Literature cited by the submitters: PubMed 22678713 (cited by Labcorp Genetics (formerly Invitae), Labcorp); PubMed 28283832 (cited by Labcorp Genetics (formerly Invitae), Labcorp).